The following is an entry in ClinVar:

ClinVar aggregate classification (germline): Likely benign (1 of 4 stars; one submission).

gnomAD v4.1: 265 of 1,529,662 alleles (0.017%); highest among the groups gnomAD compares: Non-Finnish European, 0.021%; no homozygotes.

Submission:

CeGaT Center for Human Genetics Tuebingen
Classification: Likely benign. Last evaluated: 2026-09-01. Review status: criteria provided, single submitter. Criteria: CeGaT Center For Human Genetics Tuebingen Variant Classification Criteria Version 2. Collection method: clinical testing. Allele origin: germline. Affected: yes. Observed: 3 variant alleles.
Comment: FMN2: BP4, BP7

NM_020066.5(FMN2):c.3561G>A (p.Pro1187=)

Gene: FMN2 (formin 2; plus strand). Cytogenetic location: 1q43.
Variant type: single nucleotide variant.
Coding change: c.3561G>A on transcript NM_020066.5 (MANE Select); coding-DNA position 3561, G replaced by A.
Protein change: p.Pro1187=; no amino-acid change (proline 1187 retained).
Molecular consequence: synonymous variant. On other transcripts: intron variant (1).
Genome position (GRCh38, 1-based): chr1:240,208,373, G>A. VCF-style: chr1-240208373-G-A. GRCh37 (hg19) VCF-style: chr1-240371673-G-A.
Other names: c.3573G>A, p.Pro1191= (NM_001305424.2); c.1986+20111G>A (NM_001348094.2).
Identifiers: ClinVar variation 3770384 (VCV003770384.13).
Genomic context (GRCh38, chr1:240,208,373, plus strand): 5'-TCTACCCGGAGCGGGCATACCCCCTCCGCCCCCTCTACCTGGAGTGGGAATACCTCCTCC[G>A]CCCCCTCTACCTGGAGTGGGAATACCTCCTCCGCCCCCTCTACCTGGTGCTGGGATTCCC-3'
Protein context (NP_064450.3, residues 1177-1197): PPLPGVGIPP[Pro1187=]PPLPGVGIPP